The following is an entry in ClinVar:

ClinVar aggregate classification (germline): Uncertain significance (1 of 4 stars; one submission).

Conditions:
GNAS-related disorder. Identifiers: MedGen CN380105.

gnomAD v4.1: 2 of 1,611,510 alleles (0.00012%); highest among the groups gnomAD compares: African/African-American, 0.0013%; no homozygotes.

Submission:

PreventionGenetics, part of Exact Sciences
Classification: Uncertain significance for GNAS-related condition. Last evaluated: 2025-06-11. Review status: criteria provided, single submitter. Criteria: ACMG Guidelines, 2015. Collection method: clinical testing. Allele origin: germline.
Comment: The GNAS c.151C>A variant is predicted to result in the amino acid substitution p.Arg51Ser. To our knowledge, this variant has not been reported in the literature or in a large population database (gnomAD), indicating this variant is rare. At this time, the clinical significance of this variant is uncertain due to the absence of conclusive functional and genetic evidence.

NM_016592.5(GNAS):c.151C>A (p.Arg51Ser)

Genes: GNAS (GNAS complex locus; plus strand), GNAS-AS1 (GNAS antisense RNA 1; minus strand). Cytogenetic location: 20q13.32.
Variant type: single nucleotide variant.
Coding change: c.151C>A on transcript NM_016592.5 (MANE Plus Clinical); coding-DNA position 151, C replaced by A.
Protein change: p.Arg51Ser; replaces arginine 51 with serine.
Molecular consequence: missense variant. On other transcripts: 5 prime UTR variant (1).
Genome position (GRCh38, 1-based): chr20:58,840,257, C>A. VCF-style: chr20-58840257-C-A. GRCh37 (hg19) VCF-style: chr20-57415312-C-A.
Other names: c.-587C>A (NM_001410912.1); short protein forms R51S.
Identifiers: ClinVar variation 4998697 (VCV004998697.1).